The following is an entry in ClinVar:

ClinVar aggregate classification (germline): Uncertain significance (1 of 4 stars; one submission).

gnomAD v4.1: 3 of 1,614,180 alleles (0.00019%); highest among the groups gnomAD compares: Non-Finnish European, 0.00025%; no homozygotes.

Submission:

Labcorp Genetics (formerly Invitae), Labcorp
Classification: Uncertain significance. Last evaluated: 2024-05-23. Review status: criteria provided, single submitter. Criteria: Invitae Variant Classification Sherloc (09022015). Collection method: clinical testing. Allele origin: germline.
Comment: This sequence change replaces methionine, which is neutral and non-polar, with isoleucine, which is neutral and non-polar, at codon 414 of the STT3A protein (p.Met414Ile). This variant is not present in population databases (gnomAD no frequency). This variant has not been reported in the literature in individuals affected with STT3A-related conditions. Advanced modeling of protein sequence and biophysical properties (such as structural, functional, and spatial information, amino acid conservation, physicochemical variation, residue mobility, and thermodynamic stability) performed at Invitae indicates that this missense variant is not expected to disrupt STT3A protein function with a negative predictive value of 80%. In summary, the available evidence is currently insufficient to determine the role of this variant in disease. Therefore, it has been classified as a Variant of Uncertain Significance.

NM_152713.5(STT3A):c.1242G>A (p.Met414Ile)

Gene: STT3A (STT3 oligosaccharyltransferase complex catalytic subunit A; plus strand). Cytogenetic location: 11q24.2.
Variant type: single nucleotide variant.
Coding change: c.1242G>A on transcript NM_152713.5 (MANE Select); coding-DNA position 1242, G replaced by A.
Protein change: p.Met414Ile; replaces methionine 414 with isoleucine.
Molecular consequence: missense variant.
Genome position (GRCh38, 1-based): chr11:125,612,624, G>A. VCF-style: chr11-125612624-G-A. GRCh37 (hg19) VCF-style: chr11-125482519-G-A.
Other names: c.1242G>A, p.Met414Ile (NM_001278503.2); c.966G>A, p.Met322Ile (NM_001278504.2); short protein forms M322I, M414I.
Identifiers: ClinVar variation 3693169 (VCV003693169.2).
Genomic context (GRCh38, chr11:125,612,624, plus strand): 5'-GACTGATCATGCTTCCTGTCTCTGTTAGGTGCGTCTAATGCTAGTGTTGGCACCTGTTAT[G>A]TGCATTCTCTCTGGCATTGGAGTCTCCCAGGTGCTGTCCACATACATGAAGAATCTGGAC-3'
Protein context (NP_689926.1, residues 404-424): VRLMLVLAPV[Met414Ile]CILSGIGVSQ